The following is an entry in ClinVar:

ClinVar aggregate classification (germline): Pathogenic (1 of 4 stars; one submission).
ClinVar aggregate classification (somatic clinical impact): Tier I - Strong. Review status: criteria provided, single submitter (1 of 4 stars). 2 submissions from 1 submitter. Last evaluated 2025-01-21.

Conditions:
DICER1-related tumor predisposition. Also called: DICER1-related pleuropulmonary blastoma cancer predisposition syndrome; DICER1 syndrome. Identifiers: Orphanet 284343, MedGen C3839822, MONDO:0100216.
Sertoli-Leydig cell tumor. Identifiers: MedGen C0206723, MONDO:0002479.
Papillary thyroid carcinoma. Also called: Thyroid carcinoma, papillary, somatic; NONMEDULLARY THYROID CARCINOMA, PAPILLARY; Thyroid gland papillary carcinoma. Identifiers: Orphanet 146, MedGen C0238463, MeSH D000077273, MONDO:0005075, HP:0002895.

Submissions (3):

Institute for Genomic Medicine (IGM) Clinical Laboratory, Nationwide Children's Hospital
Classification: Tier I - Strong for Papillary thyroid carcinoma. Assertion type: diagnostic. Clinical significance: supports diagnosis. Last evaluated: 2025-01-21. Review status: criteria provided, single submitter. Criteria: AMP/ASCO/CAP Guidelines, 2017. Collection method: clinical testing. Allele origin: somatic. Affected: yes.
Comment: Variant has Tier I (strong) clinical significance as a diagnostic inclusion criterion in thyroid gland papillary carcinoma, based on the following evidence: 1) Documented in one or more cancer databases (e.g., St. Jude Pecan, COSMIC, CIViC, OncoKB). 2) Appears in one or more well-established professional guidelines (e.g., World Health Organization [WHO]; National Comprehensive Cancer Network [NCCN]) as providing diagnostic, prognostic, or therapeutic information. 3) Diagnostic for a specific tumor type/classification based on well-powered studies with expert-level consensus (Evidence Level B; PMIDs: 29474644, 24617712, 26555935, 36251117, 38558329, 39283830).

Institute for Genomic Medicine (IGM) Clinical Laboratory, Nationwide Children's Hospital
Classification: Tier I - Strong for Sertoli-Leydig cell tumor. Assertion type: diagnostic. Clinical significance: supports diagnosis. Last evaluated: 2023-01-24. Review status: criteria provided, single submitter. Criteria: AMP/ASCO/CAP Guidelines, 2017. Collection method: clinical testing. Allele origin: somatic. Affected: yes.
Comment: Variant has Tier I (strong) clinical significance as a diagnostic inclusion criterion in Sertoli-Leydig cell tumor, based on the following evidence: 1) Documented in one or more cancer databases (e.g., St. Jude Pecan, COSMIC, CIViC, OncoKB). 2) Appears in one or more well-established professional guidelines (e.g., World Health Organization [WHO]; National Comprehensive Cancer Network [NCCN]) as providing diagnostic, prognostic, or therapeutic information. 3) Diagnostic for a specific tumor type/classification based on well-powered studies with expert-level consensus (Evidence Level B; PMIDs: 22187960, 24136150, 26033501, 26428316, 28654427).

Foulkes Cancer Genetics LDI, Lady Davis Institute for Medical Research
Classification: Pathogenic for Pleuropulmonary blastoma. Last evaluated: 2019-07-01. Review status: criteria provided, single submitter. Criteria: ACMG Guidelines, 2015. Collection method: curation. Allele origin: somatic. Affected: yes. Observed: 7 variant alleles.
Comment: ACMG criteria met: PS3, PM1, PM2, PM7, PP3, PP4, BP1

Literature cited by the submitters: PubMed 29474644 (cited by Institute for Genomic Medicine (IGM) Clinical Laboratory, Nationwide Children's Hospital); PubMed 24617712 (cited by Institute for Genomic Medicine (IGM) Clinical Laboratory, Nationwide Children's Hospital); PubMed 26555935 (cited by Institute for Genomic Medicine (IGM) Clinical Laboratory, Nationwide Children's Hospital); PubMed 36251117 (cited by Institute for Genomic Medicine (IGM) Clinical Laboratory, Nationwide Children's Hospital); PubMed 38558329 (cited by Institute for Genomic Medicine (IGM) Clinical Laboratory, Nationwide Children's Hospital); PubMed 39283830 (cited by Institute for Genomic Medicine (IGM) Clinical Laboratory, Nationwide Children's Hospital); PubMed 22187960 (cited by Institute for Genomic Medicine (IGM) Clinical Laboratory, Nationwide Children's Hospital); PubMed 24136150 (cited by Institute for Genomic Medicine (IGM) Clinical Laboratory, Nationwide Children's Hospital); PubMed 26033501 (cited by Institute for Genomic Medicine (IGM) Clinical Laboratory, Nationwide Children's Hospital); PubMed 26428316 (cited by Institute for Genomic Medicine (IGM) Clinical Laboratory, Nationwide Children's Hospital); PubMed 28654427 (cited by Institute for Genomic Medicine (IGM) Clinical Laboratory, Nationwide Children's Hospital); PubMed 25356068 (cited by Foulkes Cancer Genetics LDI, Lady Davis Institute for Medical Research); PubMed 24823459 (cited by Foulkes Cancer Genetics LDI, Lady Davis Institute for Medical Research); PubMed 24839956 (cited by Foulkes Cancer Genetics LDI, Lady Davis Institute for Medical Research); PubMed 28766837 (cited by Foulkes Cancer Genetics LDI, Lady Davis Institute for Medical Research); PubMed 27459524 (cited by Foulkes Cancer Genetics LDI, Lady Davis Institute for Medical Research); PubMed 30260442 (cited by Foulkes Cancer Genetics LDI, Lady Davis Institute for Medical Research).

NM_177438.3(DICER1):c.5438A>T (p.Glu1813Val)

Gene: DICER1 (dicer 1, ribonuclease III; minus strand). Cytogenetic location: 14q32.13.
Variant type: single nucleotide variant.
Coding change: c.5438A>T on transcript NM_177438.3 (MANE Select); coding-DNA position 5438, A replaced by T.
Protein change: p.Glu1813Val; replaces glutamic acid 1813 with valine.
Molecular consequence: missense variant. On other transcripts: intron variant (1).
Genome position (GRCh38, 1-based): chr14:95,091,292, T>A on the plus strand (A>T on the coding strand, the complement: DICER1 is on the minus strand). VCF-style: chr14-95091292-T-A. GRCh37 (hg19) VCF-style: chr14-95557629-T-A.
Other names: c.5438A>T, p.Glu1813Val (NM_001271282.3, NM_001291628.2, NM_030621.4); c.5365-183A>T (NM_001195573.1); short protein forms E1813V.
Identifiers: ClinVar variation 933092 (VCV000933092.4), dbSNP rs1889806272, ClinGen allele CA390864651.